The following is an entry in ClinVar:

NM_032776.3(JMJD1C):c.6488G>A (p.Cys2163Tyr)

Gene: JMJD1C (jumonji domain containing 1C; minus strand). Cytogenetic location: 10q21.3.
Variant type: single nucleotide variant.
Coding change: c.6488G>A on transcript NM_032776.3 (MANE Select); coding-DNA position 6488, G replaced by A.
Protein change: p.Cys2163Tyr; replaces cysteine 2163 with tyrosine.
Molecular consequence: missense variant. On other transcripts: non-coding transcript variant (1).
Genome position (GRCh38, 1-based): chr10:63,189,250, C>T on the plus strand (G>A on the coding strand, the complement: JMJD1C is on the minus strand). VCF-style: chr10-63189250-C-T. GRCh37 (hg19) VCF-style: chr10-64949010-C-T.
Other names: c.5942G>A, p.Cys1981Tyr (NM_001282948.2, NM_001318154.2); c.5624G>A, p.Cys1875Tyr (NM_001318153.2); c.6374G>A, p.Cys2125Tyr (NM_001322252.2); c.5831G>A, p.Cys1944Tyr (NM_001322254.2, NM_001322258.2); short protein forms C1944Y, C1875Y, C2125Y, C1981Y, C2163Y.
Identifiers: ClinVar variation 1924843 (VCV001924843.5), dbSNP rs2492400356, ClinGen allele CA377023829.
Genomic context (GRCh38, chr10:63,189,250, plus strand): 5'-TTGAAAAGCTTCCAATTACTGCTATTCTTATAATCCTTAAGCCATAAAATATGCTTCTCA[C>T]AGATCCAAGAATGTGGTATATCACTGTATAATTTATTATTTTCATCCACTGCAGATATTA-3'
Protein context (NP_116165.1, residues 2153-2173): LYSDIPHSWI[Cys2163Tyr]EKHILWLKDY

ClinVar aggregate classification (germline): Uncertain significance (1 of 4 stars; one submission).

Conditions:
Early Myoclonic Encephalopathy. Identifiers: MedGen C0270855.

Allele frequency attached by ClinVar (database versions not stated): gnomAD exomes below 0.00001.
gnomAD v4.1: 2 of 1,613,162 alleles (0.00012%); highest among the groups gnomAD compares: Non-Finnish European, 0.00017%; no homozygotes.

Submission:

Labcorp Genetics (formerly Invitae), Labcorp
Classification: Uncertain significance for Early Myoclonic Encephalopathy. Last evaluated: 2022-05-11. Review status: criteria provided, single submitter. Criteria: Invitae Variant Classification Sherloc (09022015). Collection method: clinical testing. Allele origin: germline.
Comment: This sequence change replaces cysteine, which is neutral and slightly polar, with tyrosine, which is neutral and polar, at codon 2163 of the JMJD1C protein (p.Cys2163Tyr). This variant is not present in population databases (gnomAD no frequency). This variant has not been reported in the literature in individuals affected with JMJD1C-related conditions. Algorithms developed to predict the effect of missense changes on protein structure and function are either unavailable or do not agree on the potential impact of this missense change (SIFT: "Tolerated"; PolyPhen-2: "Probably Damaging"; Align-GVGD: "Class C0"). In summary, the available evidence is currently insufficient to determine the role of this variant in disease. Therefore, it has been classified as a Variant of Uncertain Significance.